The following is an entry in ClinVar:

ClinVar aggregate classification (germline): Uncertain significance (1 of 4 stars; one submission).

Allele frequency attached by ClinVar (database versions not stated): gnomAD exomes below 0.00001.
gnomAD v4.1: 1 of 1,614,052 alleles (0.000062%); no homozygotes.

Submission:

Labcorp Genetics (formerly Invitae), Labcorp
Classification: Uncertain significance. Last evaluated: 2022-10-24. Review status: criteria provided, single submitter. Criteria: Invitae Variant Classification Sherloc (09022015). Collection method: clinical testing. Allele origin: germline.
Comment: This sequence change replaces aspartic acid, which is acidic and polar, with glycine, which is neutral and non-polar, at codon 67 of the LRPPRC protein (p.Asp67Gly). This variant is not present in population databases (gnomAD no frequency). This variant has not been reported in the literature in individuals affected with LRPPRC-related conditions. Algorithms developed to predict the effect of missense changes on protein structure and function (SIFT, PolyPhen-2, Align-GVGD) all suggest that this variant is likely to be tolerated. Algorithms developed to predict the effect of sequence changes on RNA splicing suggest that this variant may create or strengthen a splice site. In summary, the available evidence is currently insufficient to determine the role of this variant in disease. Therefore, it has been classified as a Variant of Uncertain Significance.

NM_133259.4(LRPPRC):c.200A>G (p.Asp67Gly)

Gene: LRPPRC (leucine rich pentatricopeptide repeat containing; minus strand). Cytogenetic location: 2p21.
Variant type: single nucleotide variant.
Coding change: c.200A>G on transcript NM_133259.4 (MANE Select); coding-DNA position 200, A replaced by G.
Protein change: p.Asp67Gly; replaces aspartic acid 67 with glycine.
Molecular consequence: missense variant.
Genome position (GRCh38, 1-based): chr2:43,982,384, T>C on the plus strand (A>G on the coding strand, the complement: LRPPRC is on the minus strand). VCF-style: chr2-43982384-T-C. GRCh37 (hg19) VCF-style: chr2-44209523-T-C.
Other names: short protein forms D67G.
Identifiers: ClinVar variation 1907634 (VCV001907634.2), dbSNP rs2466695648, ClinGen allele CA346678353.
Genomic context (GRCh38, chr2:43,982,384, plus strand): 5'-AGAGCCCAATCAAACTGATTGGAAATCTTCCTAGAAGAAAAAGTGGACTCCTCTTGAATA[T>C]CTTTTTCTTTGGCAGCAATGGCATACAGCCTGGCTGGGCTCAGTAGTCCTCTAAAAAATG-3'
Protein context (NP_573566.2, residues 57-77): RLYAIAAKEK[Asp67Gly]IQEESTFSSR